The following is an entry in ClinVar:

NM_000497.4(CYP11B1):c.982_994del (p.Phe328fs)

Genes: CYP11B1 (cytochrome P450 family 11 subfamily B member 1; minus strand), LOC106799833 (CYP11B1 recombination region; plus strand). Cytogenetic location: 8q24.3.
Variant type: Deletion.
Coding change: c.982_994del on transcript NM_000497.4 (MANE Select); coding-DNA positions 982 to 994, 13 bases deleted (TTTGAGCTGGCTC).
Protein change: p.Phe328fs; shifts the reading frame from phenylalanine 328.
Molecular consequence: frameshift variant.
Genome position (GRCh38, 1-based): chr8:142,875,839-142,875,851, GAGCCAGCTCAAA deleted on the plus strand (TTTGAGCTGGCTC on the coding strand, the reverse complement: CYP11B1 is on the minus strand); deleting any 13 consecutive bases within chr8:142,875,839-142,875,855 gives the same sequence; the c. name uses the placement nearest the transcript's 3' end. VCF-style (leftmost placement, unchanged base first): chr8-142875838-CGAGCCAGCTCAAA-C. GRCh37 (hg19) VCF-style: chr8-143957254-CGAGCCAGCTCAAA-C.
Other names: c.982_994del, p.Phe328fs (NM_001026213.1); short protein forms F328fs.
Identifiers: ClinVar variation 941055 (VCV000941055.7), dbSNP rs1816926704, ClinGen allele CA1139660803.

ClinVar aggregate classification (germline): Pathogenic (1 of 4 stars; one submission).

Submission:

Labcorp Genetics (formerly Invitae), Labcorp
Classification: Pathogenic. Last evaluated: 2019-08-24. Review status: criteria provided, single submitter. Criteria: Invitae Variant Classification Sherloc (09022015). Collection method: clinical testing. Allele origin: germline.
Comment: This variant has not been reported in the literature in individuals with CYP11B1-related conditions. Loss-of-function variants in CYP11B1 are known to be pathogenic (PMID: 8506298, 26476331). For these reasons, this variant has been classified as Pathogenic. This sequence change creates a premature translational stop signal (p.Phe328Glyfs*98) in the CYP11B1 gene. It is expected to result in an absent or disrupted protein product. This variant is not present in population databases (ExAC no frequency).

Literature cited by the submitters: PubMed 8506298; PubMed 26476331.